The following is an entry in ClinVar:

NM_000127.3(EXT1):c.2119dup (p.Thr707fs)

Gene: EXT1 (exostosin glycosyltransferase 1; minus strand). Cytogenetic location: 8q24.11.
Variant type: Duplication.
Coding change: c.2119dup on transcript NM_000127.3 (MANE Select); coding-DNA position 2119, one base duplicated (A; older notation c.2119dupA).
Protein change: p.Thr707fs; shifts the reading frame from threonine 707.
Molecular consequence: frameshift variant.
Genome position (GRCh38, 1-based): chr8:117,799,834, T duplicated on the plus strand (A on the coding strand, the reverse complement: EXT1 is on the minus strand). VCF-style (leftmost placement, unchanged base first): chr8-117799833-G-GT. GRCh37 (hg19) VCF-style: chr8-118812072-G-GT.
Other names: short protein forms T707fs.
Identifiers: ClinVar variation 955891 (VCV000955891.9), dbSNP rs1823137520, ClinGen allele CA1139660710.

ClinVar aggregate classification (germline): Pathogenic (1 of 4 stars; one submission).

Conditions:
Multiple congenital exostosis (EXT). Also called: MULTIPLE CARTILAGINOUS EXOSTOSES; Multiple exostoses; Hereditary multiple exostoses; Hereditary multiple exostosis; Multiple osteochondromas; Hereditary multiple osteochondromas. Identifiers: Orphanet 321, MedGen C0015306, MONDO:0005508, HP:0002762.

Submission:

Labcorp Genetics (formerly Invitae), Labcorp
Classification: Pathogenic for Multiple congenital exostosis. Last evaluated: 2019-07-24. Review status: criteria provided, single submitter. Criteria: Invitae Variant Classification Sherloc (09022015). Collection method: clinical testing. Allele origin: germline.
Comment: This variant has not been reported in the literature in individuals with EXT1-related conditions. This variant disrupts the C-terminus of the EXT1 protein. Other variant(s) that disrupt this region (p.Trp711*) have been determined to be pathogenic (PMID: 29620724, Invitae). This suggests that variants that disrupt this region of the protein are likely to be causative of disease. For these reasons, this variant has been classified as Pathogenic. This variant is not present in population databases (ExAC no frequency). This sequence change results in a premature translational stop signal in the EXT1 gene (p.Thr707Asnfs*24). While this is not anticipated to result in nonsense mediated decay, it is expected to disrupt the last 40 amino acids of the EXT1 protein.

Literature cited by the submitters: PubMed 29620724.